The following is an entry in ClinVar:

NM_001377142.1(PLCB4):c.3028A>G (p.Thr1010Ala)

Gene: PLCB4 (phospholipase C beta 4; plus strand). Cytogenetic location: 20p12.2.
Variant type: single nucleotide variant.
Coding change: c.3028A>G on transcript NM_001377142.1 (MANE Select); coding-DNA position 3028, A replaced by G.
Protein change: p.Thr1010Ala; replaces threonine 1010 with alanine.
Molecular consequence: missense variant.
Genome position (GRCh38, 1-based): chr20:9,457,445, A>G. VCF-style: chr20-9457445-A-G. GRCh37 (hg19) VCF-style: chr20-9438092-A-G.
Other names: c.2992A>G, p.Thr998Ala (NM_000933.4, NM_001377134.2, NM_001377135.1 and 2 more transcripts); c.3028A>G, p.Thr1010Ala (NM_001172646.2, NM_001377143.1); short protein forms T1010A, T998A.
Identifiers: ClinVar variation 339588 (VCV000339588.13), dbSNP rs377357771, ClinGen allele CA9761577.

ClinVar aggregate classification (germline): Benign. Review status: criteria provided, multiple submitters, no conflicts (2 of 4 stars). 2 submissions from 2 submitters: Benign (2). Last evaluated 2025-02-24.

Conditions:
Auriculocondylar syndrome 2 (ARCND2A). Also called: AURICULOCONDYLAR SYNDROME 2A. Identifiers: Orphanet 137888, MedGen C3553404, MONDO:0013845, OMIM 614669.

Allele frequency attached by ClinVar (database versions not stated): gnomAD 0.00001 and 0.00048; TOPMed 0.00008; gnomAD exomes 0.00078 and 0.00154; ExAC 0.00176; 1000 Genomes Project 30x 0.00375; 1000 Genomes Project 0.00439.
gnomAD v4.1: 1,183 of 1,569,702 alleles (0.075%); highest among the groups gnomAD compares: South Asian, 1.2%; 19 homozygotes.

Submissions (2):

Labcorp Genetics (formerly Invitae), Labcorp
Classification: Benign. Last evaluated: 2025-02-24. Review status: criteria provided, single submitter. Criteria: Invitae Variant Classification Sherloc (09022015). Collection method: clinical testing. Allele origin: germline.

Illumina Laboratory Services, Illumina
Classification: Benign for Auriculocondylar syndrome 2. Last evaluated: 2018-01-12. Review status: criteria provided, single submitter. Criteria: ICSL Variant Classification Criteria 13 December 2019. Collection method: clinical testing. Allele origin: germline.
Comment: This variant was observed in the ICSL laboratory as part of a predisposition screen in an ostensibly healthy population. It had not been previously curated by ICSL or reported in the Human Gene Mutation Database (HGMD: prior to June 1st, 2018), and was therefore a candidate for classification through an automated scoring system. Utilizing variant allele frequency, disease prevalence and penetrance estimates, and inheritance mode, an automated score was calculated to assess if this variant is too frequent to cause the disease. Based on the score and internal cut-off values, a variant classified as benign is not then subjected to further curation. The score for this variant resulted in a classification of benign for this disease.